The following is an entry in ClinVar:

NM_001079866.2(BCS1L):c.993_999del (p.Asn332fs)

Gene: BCS1L (BCS1 ubiquinol-cytochrome c reductase complex chaperone; plus strand). Cytogenetic location: 2q35.
Variant type: Deletion.
Coding change: c.993_999del on transcript NM_001079866.2 (MANE Select); coding-DNA positions 993 to 999, 7 bases deleted (CAACCAC; older notation c.993_999delCAACCAC).
Protein change: p.Asn332fs; shifts the reading frame from asparagine 332.
Molecular consequence: frameshift variant. On other transcripts: non-coding transcript variant (1).
Genome position (GRCh38, 1-based): chr2:218,662,986-218,662,992, CAACCAC deleted; deleting any 7 consecutive bases within chr2:218,662,981-218,662,992 gives the same sequence; the c. name uses the placement nearest the transcript's 3' end. VCF-style (leftmost placement, unchanged base first): chr2-218662980-GACCACCA-G. GRCh37 (hg19) VCF-style: chr2-219527703-GACCACCA-G.
Other names: c.993_999del, p.Asn332fs (NM_001257342.2, NM_001257343.2, NM_001257344.2 and 10 more transcripts); c.633_639del, p.Asn212fs (NM_001318836.2, NM_001371451.1); c.492_498del, p.Asn165fs (NM_001371452.1, NM_001371453.1, NM_001371454.1 and 3 more transcripts); short protein forms N165fs, N212fs, N332fs.
Identifiers: ClinVar variation 2680146 (VCV002680146.3), dbSNP rs1939647579, ClinGen allele CA1328862822.

ClinVar aggregate classification (germline): Likely pathogenic. Review status: criteria provided, multiple submitters, no conflicts (2 of 4 stars). 3 submissions from 3 submitters: Likely pathogenic (3). Last evaluated 2025-05-30.

Conditions:
Mitochondrial complex III deficiency nuclear type 1. Identifiers: Orphanet 254902, MedGen C3541471, MONDO:0007415, OMIM 124000.
Pili torti-deafness syndrome (BJS). Also called: PILI TORTI AND NERVE DEAFNESS; Bjornstad syndrome. Identifiers: Orphanet 123, MedGen C0266006, MONDO:0009872, OMIM 262000.
GRACILE syndrome (FLNMS). Also called: FELLMAN SYNDROME; FINNISH LETHAL NEONATAL METABOLIC SYNDROME. Identifiers: Orphanet 53693, MedGen C1864002, MONDO:0011308, OMIM 603358.

Submissions (3):

Natera, Inc.
Classification: Likely pathogenic for GRACILE syndrome. Last evaluated: 2025-05-30. Review status: criteria provided, single submitter. Criteria: Natera Variant Classification Schema (03/2026). Collection method: clinical testing. Allele origin: germline.
Comment: The c.993_999delCAACCAC variant in BCS1L is a frameshift variant predicted to shift the reading frame beginning at codon 332 and leads to a stop codon 8 codons downstream. This variant is expected to result in nonsense mediated decay, truncation, or a dysfunctional protein product. This variant is rare in the general population with a frequency below the threshold expected for the associated phenotype(s). Given the available evidence, this variant is classified as Likely Pathogenic.

Fulgent Genetics
Classification: Likely pathogenic for Mitochondrial complex III deficiency nuclear type 1; Pili torti-deafness syndrome; GRACILE syndrome. Last evaluated: 2024-05-07. Review status: criteria provided, single submitter. Criteria: ACMG Guidelines, 2015. Collection method: clinical testing. Allele origin: germline.

Baylor Genetics
Classification: Likely pathogenic for Pili torti-deafness syndrome. Last evaluated: 2023-10-18. Review status: criteria provided, single submitter. Criteria: ACMG Guidelines, 2015. Collection method: clinical testing. Allele origin: unknown.